The following is an entry in ClinVar:

ClinVar aggregate classification (germline): Pathogenic (1 of 4 stars; one submission).

Conditions:
UBAP1L-related disorder.

gnomAD v4.1: 45 of 1,551,222 alleles (0.0029%); highest among the groups gnomAD compares: Middle Eastern, 0.017%; no homozygotes.

Submission:

3billion
Classification: Pathogenic for UBAP1L-related disorder. Last evaluated: 2025-10-02. Review status: criteria provided, single submitter. Criteria: ACMG Guidelines, 2015. Collection method: clinical testing. Allele origin: germline. Affected: yes.
Comment: The variant is observed at an extremely low frequency in the gnomAD v4.1.0 dataset (total allele frequency: 0.003%). Predicted Consequence/Location: Stop-gained (nonsense): predicted to result in a loss or disruption of normal protein function through nonsense-mediated decay (NMD) or protein truncation. Multiple pathogenic variants are reported downstream of the variant. The variant has been reported to be associated with UBAP1L-related disorder (PMID: 38420906). Therefore, this variant is classified as Pathogenic according to the recommendation of ACMG/AMP guideline.

Literature cited by the submitters: PubMed 38420906.

NM_001163692.2(UBAP1L):c.859C>T (p.Arg287Ter)

Gene: UBAP1L (ubiquitin associated protein 1 like; minus strand). Cytogenetic location: 15q22.31.
Variant type: single nucleotide variant.
Coding change: c.859C>T on transcript NM_001163692.2 (MANE Select); coding-DNA position 859, C replaced by T.
Protein change: p.Arg287Ter; replaces arginine 287 with a stop codon.
Molecular consequence: nonsense.
Genome position (GRCh38, 1-based): chr15:65,099,555, G>A on the plus strand (C>T on the coding strand, the complement: UBAP1L is on the minus strand). VCF-style: chr15-65099555-G-A. GRCh37 (hg19) VCF-style: chr15-65391893-G-A.
Other names: short protein forms R287*.
Identifiers: ClinVar variation 4854280 (VCV004854280.1).